The following is an entry in ClinVar:

NM_000038.6(APC):c.6497G>A (p.Arg2166Gln)

Gene: APC (APC regulator of Wnt signaling pathway; plus strand). Cytogenetic location: 5q22.2.
Variant type: single nucleotide variant.
Coding change: c.6497G>A on transcript NM_000038.6 (MANE Select); coding-DNA position 6497, G replaced by A.
Protein change: p.Arg2166Gln; replaces arginine 2166 with glutamine.
Molecular consequence: missense variant.
Genome position (GRCh38, 1-based): chr5:112,842,091, G>A. VCF-style: chr5-112842091-G-A. GRCh37 (hg19) VCF-style: chr5-112177788-G-A.
Other names: c.6497G>A, p.Arg2166Gln (NM_001127510.3, NM_001354895.2); c.6443G>A, p.Arg2148Gln (NM_001127511.3); c.6551G>A, p.Arg2184Gln (NM_001354896.2); c.6527G>A, p.Arg2176Gln (NM_001354897.2); c.6422G>A, p.Arg2141Gln (NM_001354898.2); c.6413G>A, p.Arg2138Gln (NM_001354899.2); c.6374G>A, p.Arg2125Gln (NM_001354900.2); c.6320G>A, p.Arg2107Gln (NM_001354901.2); and 5 more; short protein forms R2148Q, R2166Q, R2065Q, R2075Q, R2107Q, R2138Q, R2141Q, R2184Q.
Identifiers: ClinVar variation 230267 (VCV000230267.30), dbSNP rs752091655, ClinGen allele CA045071.

ClinVar aggregate classification (germline): Conflicting classifications of pathogenicity. Review status: criteria provided, conflicting classifications (1 of 4 stars). 11 submissions from 11 submitters: Uncertain significance (10); Benign (1). Last evaluated 2026-09-01.

Conditions:
Desmoid disease, hereditary (DESMD). Also called: FIBROMATOSIS, FAMILIAL INFILTRATIVE. Identifiers: Orphanet 873, MedGen C1851124, OMIM 135290. Disease mechanism: loss of function.
Familial adenomatous polyposis 1 (FAP1). Also called: FAMILIAL ADENOMATOUS POLYPOSIS 1, ATTENUATED; POLYPOSIS, ADENOMATOUS INTESTINAL. Identifiers: MedGen C2713442, MONDO:0021056, OMIM 175100. Disease mechanism: loss of function.
Hepatocellular carcinoma (HCC). Also called: Primary carcinoma of liver; HEPATOMA; LIVER CELL CARCINOMA. Identifiers: Orphanet 88673, MedGen C2239176, MONDO:0007256, OMIM 114550, HP:0001402.
Gastric cancer. Also called: Stomach cancer; Malignant tumor of stomach. Identifiers: MedGen C0024623, MeSH D013274, MONDO:0001056, OMIM 613659, HP:0012126.
Colorectal cancer. Also called: Malignant Colorectal Neoplasm; Colorectal cancer, somatic. Identifiers: MedGen C0346629, MONDO:0005575, OMIM 114500.
Gastric adenocarcinoma and proximal polyposis of the stomach (GAPPS). Also called: Polyposis, gastric, Dos Santos and de Magalhaes 1980; POLYPOSIS, GASTRIC; Gastric Adenocarcinoma and Proximal Polyposis of the Stomach (GAPPS). Identifiers: Orphanet 314022, MedGen C4749917, MONDO:0017790, OMIM 619182.
APC-related disorder. Also called: APC-related condition.
Classic or attenuated familial adenomatous polyposis. Identifiers: MedGen CN372698, MONDO:0021057.
Hereditary cancer-predisposing syndrome. Also called: Neoplastic Syndromes, Hereditary; Tumor predisposition; Hereditary Cancer Syndrome; Hereditary neoplastic syndrome. Identifiers: Orphanet 140162, MedGen C0027672, MeSH D009386, MONDO:0015356.

Allele frequency attached by ClinVar (database versions not stated): gnomAD exomes 0.00001 and 0.00002; gnomAD 0.00002; TOPMed 0.00002; ExAC 0.00003.
gnomAD v4.1: 33 of 1,610,862 alleles (0.002%); highest among the groups gnomAD compares: Non-Finnish European, 0.0021%; no homozygotes.

Submissions (11):

PreventionGenetics, part of Exact Sciences
Classification: Uncertain significance for APC-related condition. Last evaluated: 2026-09-01. Review status: criteria provided, single submitter. Criteria: ACMG Guidelines, 2015. Collection method: clinical testing. Allele origin: germline.
Comment: The APC c.6497G>A variant is predicted to result in the amino acid substitution p.Arg2166Gln. This variant was reported in cohorts of individuals referred for testing due to a personal and/or family history of breast and/or ovarian cancer (Tsaousis et al. 2019. PubMed ID: 31159747; Nikitin et al. 2020. PubMed ID: 32547938). This variant is reported in 0.0080% of alleles in individuals of European (Finnish) descent in gnomAD and has conflicting interpretations in ClinVar ranging from likely benign to uncertain (Variation ID: 230267). At this time, the clinical significance of this variant is uncertain due to the absence of conclusive functional and genetic evidence.

Labcorp Genetics (formerly Invitae), Labcorp
Classification: Uncertain significance for Familial adenomatous polyposis 1. Last evaluated: 2026-01-27. Review status: criteria provided, single submitter. Criteria: Invitae Variant Classification Sherloc (09022015). Collection method: clinical testing. Allele origin: germline.
Comment: This sequence change replaces arginine, which is basic and polar, with glutamine, which is neutral and polar, at codon 2166 of the APC protein (p.Arg2166Gln). The frequency data for this variant in the population databases is considered unreliable, as metrics indicate poor data quality at this position in the gnomAD database. This missense change has been observed in individual(s) with clinical features of APC-related conditions (PMID: 31159747). ClinVar contains an entry for this variant (Variation ID: 230267). Invitae Evidence Modeling of protein sequence and biophysical properties (such as structural, functional, and spatial information, amino acid conservation, physicochemical variation, residue mobility, and thermodynamic stability) indicates that this missense variant is not expected to disrupt APC protein function with a negative predictive value of 95%. In summary, the available evidence is currently insufficient to determine the role of this variant in disease. Therefore, it has been classified as a Variant of Uncertain Significance.

Ambry Genetics
Classification: Benign for Hereditary cancer-predisposing syndrome. Last evaluated: 2025-09-10. Review status: criteria provided, single submitter. Criteria: Ambry Variant Classification Scheme 2023. Collection method: clinical testing. Allele origin: germline.

All of Us Research Program, National Institutes of Health
Classification: Uncertain significance for Classic or attenuated familial adenomatous polyposis. Last evaluated: 2024-08-06. Review status: criteria provided, single submitter. Criteria: ACMG Guidelines, 2015. Collection method: clinical testing. Allele origin: germline. Inheritance: Autosomal dominant inheritance. Observed: 2 variant alleles, 2 heterozygotes.
Comment: This missense variant replaces arginine with glutamine at codon 2166 of the APC protein. Computational prediction suggests that this variant may not impact protein structure and function (internally defined REVEL score threshold <= 0.5, PMID: 27666373). To our knowledge, functional studies have not been reported for this variant. This variant has not been reported in individuals affected with hereditary cancer in the literature. This variant has been identified in 6/281044 chromosomes in the general population by the Genome Aggregation Database (gnomAD). The available evidence is insufficient to determine the role of this variant in disease conclusively. Therefore, this variant is classified as a Variant of Uncertain Significance.

This study involves interpretation of variants in research participants for the purpose of population health screening. Participant phenotype was not available at the time of variant classification. Additional details can be found in publication PMID: 35346344, PMCID: PMC8962531

Color Diagnostics, LLC DBA Color Health
Classification: Uncertain significance for Hereditary cancer-predisposing syndrome. Last evaluated: 2024-03-18. Review status: criteria provided, single submitter. Criteria: ACMG Guidelines, 2015. Collection method: clinical testing. Allele origin: germline.
Comment: This missense variant replaces arginine with glutamine at codon 2166 of the APC protein. Computational prediction suggests that this variant may not impact protein structure and function (internally defined REVEL score threshold <= 0.5, PMID: 27666373). To our knowledge, functional studies have not been reported for this variant. This variant has not been reported in individuals affected with APC-related disorders in the literature. This variant has been identified in 6/281044 chromosomes in the general population by the Genome Aggregation Database (gnomAD). The available evidence is insufficient to determine the role of this variant in disease conclusively. Therefore, this variant is classified as a Variant of Uncertain Significance.

Baylor Genetics
Classification: Uncertain significance for Familial adenomatous polyposis 1. Last evaluated: 2024-03-14. Review status: criteria provided, single submitter. Criteria: ACMG Guidelines, 2015. Collection method: clinical testing. Allele origin: unknown.

Fulgent Genetics
Classification: Uncertain significance for Colorectal cancer; Hepatocellular carcinoma; Desmoid disease, hereditary; Familial adenomatous polyposis 1; Gastric cancer; Gastric adenocarcinoma and proximal polyposis of the stomach. Last evaluated: 2024-02-13. Review status: criteria provided, single submitter. Criteria: ACMG Guidelines, 2015. Collection method: clinical testing. Allele origin: germline.

Blueprint Genetics
Classification: Uncertain significance. Last evaluated: 2023-10-03. Review status: criteria provided, single submitter. Criteria: ACMG Guidelines, 2015. Collection method: clinical testing. Allele origin: germline.

GeneDx
Classification: Uncertain significance. Last evaluated: 2023-07-27. Review status: criteria provided, single submitter. Criteria: GeneDx Variant Classification Process June 2021. Collection method: clinical testing. Allele origin: germline. Affected: yes.
Comment: In silico analysis supports that this missense variant does not alter protein structure/function; Observed in individuals with personal or family history of breast or ovarian cancer (Tsaousis et al., 2019; Nikitin et al., 2020); This variant is associated with the following publications: (PMID: 31159747, 32547938)

Sema4
Classification: Uncertain significance for Hereditary cancer-predisposing syndrome. Last evaluated: 2021-10-05. Review status: criteria provided, single submitter. Criteria: Sema4 Curation Guidelines. Collection method: curation. Allele origin: germline.
Comment: The APC c.6497G>A (p.R2166Q) variant has been reported in heterozygosity in at least one individual undergoing genetic testing for hereditary cancer predisposition syndromes (PMID: 31159747). It was observed in 2/25100 chromosomes of the Finnish subpopulation in the large and broad cohorts of the Genome Aggregation Database (PMID: 32461654). The variant has been reported in ClinVar (Variation ID 230267). Functional studies have not been performed, and in silico predictions of the variant's effect on protein function are inconclusive. The evidence is insufficient to meet ACMG/AMP criteria for classifying the variant as benign or pathogenic. Thus, the clinical significance of this variant is currently uncertain.

GeneKor MSA
Classification: Uncertain significance for Hereditary cancer-predisposing syndrome. Last evaluated: 2018-08-01. Review status: criteria provided, single submitter. Criteria: ACMG Guidelines, 2015. Collection method: clinical testing. Allele origin: germline. Affected: yes.

Literature cited by the submitters: PubMed 31159747 (cited by 3 submitters); PubMed 32547938 (cited by Ambry Genetics).